The following is an entry in ClinVar:

ClinVar aggregate classification (germline): Pathogenic/Likely pathogenic. Review status: criteria provided, multiple submitters, no conflicts (2 of 4 stars). 11 submissions from 11 submitters: Pathogenic (7); Likely pathogenic (1). 3 of the submissions do not count toward it. Last evaluated 2025-02-13.

Conditions:
Mucopolysaccharidosis, MPS-IV-B (MPS4B). Also called: Mucopolysaccharidosis type 4B; Mucopolysaccharidosis type IV B; Mucopolysaccharidosis Type IVB; Mucopolysaccharidosis Type IVB (Morquio B Disease); MORQUIO SYNDROME B; Mucopolysaccharidosis type IVB (Morquio). Identifiers: Orphanet 309310, Orphanet 582, MedGen C0086652, MONDO:0009660, OMIM 253010.
GM1 gangliosidosis. Identifiers: Orphanet 354, MedGen C0085131, MONDO:0018149.
GM1 gangliosidosis type 2. Also called: GANGLIOSIDOSIS, GENERALIZED GM1, JUVENILE TYPE; GANGLIOSIDOSIS, GENERALIZED GM1, TYPE II; Juvenile GM>1< gangliosidosis; Gangliosidosis, Generalized GM1, Type 2; GM1-GANGLIOSIDOSIS, TYPE II. Identifiers: Orphanet 354, Orphanet 79256, MedGen C0268272, MONDO:0009261, OMIM 230600.
GLB1-related disorder. Also called: GLB1-related disorders. Identifiers: MedGen CN377807.
Infantile GM1 gangliosidosis. Also called: GM1 gangliosidosis type 1; Gangliosidosis, Generalized GM1, Type 1; GM1-gangliosidosis, type I; Gangliosidosis, generalized GM1, infantile form; GLB1 deficiency. Identifiers: Orphanet 354, Orphanet 79255, MedGen C0268271, MONDO:0009260, OMIM 230500.
GM1 gangliosidosis type 3. Also called: GANGLIOSIDOSIS, GENERALIZED GM1, ADULT TYPE; GANGLIOSIDOSIS, GENERALIZED GM1, CHRONIC TYPE; GANGLIOSIDOSIS, GENERALIZED GM1, TYPE III; Beta-galactosidase deficiency; Adult GM1 gangliosidosis; Type 3 (adult) GM1 gangliosidosis. Identifiers: Orphanet 79257, MedGen C0268273, MONDO:0009262, OMIM 230650.

Allele frequency attached by ClinVar (database versions not stated): TOPMed 0.00001; ExAC 0.00002; gnomAD 0.00002; gnomAD exomes 0.00002 and 0.00005.
gnomAD v4.1: 36 of 1,613,976 alleles (0.0022%); highest among the groups gnomAD compares: Admixed American, 0.0017%; no homozygotes.

Submissions (11):

3billion
Classification: Pathogenic for GM1 gangliosidosis type 2. Last evaluated: 2025-02-13. Review status: criteria provided, single submitter. Criteria: ACMG Guidelines, 2015. Collection method: clinical testing. Allele origin: germline. Affected: yes.
Comment: The variant is observed at an extremely low frequency in the gnomAD v4.1.0 dataset (total allele frequency: 0.002%). Predicted Consequence/Location: Missense variant In silico tool predictions suggest damaging effect of the variant on gene or gene product [REVEL: 0.93 (>=0.6, sensitivity 0.68 and specificity 0.92); 3Cnet: 0.99 (>=0.6, sensitivity 0.72 and precision 0.9)]. The same nucleotide change resulting in the same amino acid change has been previously reported as pathogenic/likely pathogenic with strong evidence (ClinVar ID: VCV000496895 /PMID: 15714521). Different missense changes at the same codon (p.Arg59His, p.Arg59Leu) have been reported as pathogenic/likely pathogenic with strong evidence (ClinVar ID: VCV000000945, VCV001497708 /PMID: 10338095). Therefore, this variant is classified as Pathogenic according to the recommendation of ACMG/AMP guideline.

Women's Health and Genetics/Laboratory Corporation of America, LabCorp
Classification: Pathogenic for GM1 gangliosidosis. Last evaluated: 2024-12-20. Review status: criteria provided, single submitter. Criteria: LabCorp Variant Classification Summary - May 2015. Collection method: clinical testing. Allele origin: germline.
Comment: Variant summary: GLB1 c.175C>T (p.Arg59Cys) results in a non-conservative amino acid change in the encoded protein sequence. Five of five in-silico tools predict a damaging effect of the variant on protein function. The variant allele was found at a frequency of 4.8e-05 in 249480 control chromosomes (gnomAD). This frequency is not significantly higher than estimated for a pathogenic variant in GLB1 causing GM1 Gangliosidosis (4.8e-05 vs 0.00091), allowing no conclusion about variant significance. c.175C>T has been reported in the literature in individuals affected with GM1 Gangliosidosis (e.g. Caciotti_2005, Santamaria_2006, 2007). These data indicate that the variant is likely to be associated with disease. A different variant affecting the same codon has been classified as pathogenic by our lab (c.176G>A, p.Arg59His), supporting the critical relevance of codon 59 to GLB1 protein function. At least one publication reports experimental evidence evaluating an impact on protein function, finding that the variant rendered GLB1 enzymatically inactive (Caciotti_2005). The following publications have been ascertained in the context of this evaluation (PMID: 15714521, 16941474, 17309651). ClinVar contains an entry for this variant (Variation ID: 496895). Based on the evidence outlined above, the variant was classified as pathogenic.

Labcorp Genetics (formerly Invitae), Labcorp
Classification: Pathogenic for Mucopolysaccharidosis, MPS-IV-B; GM1 gangliosidosis. Last evaluated: 2024-10-22. Review status: criteria provided, single submitter. Criteria: Invitae Variant Classification Sherloc (09022015). Collection method: clinical testing. Allele origin: germline.
Comment: This sequence change replaces arginine, which is basic and polar, with cysteine, which is neutral and slightly polar, at codon 59 of the GLB1 protein (p.Arg59Cys). This variant is present in population databases (rs756878418, gnomAD 0.04%). This missense change has been observed in individual(s) with GM1 gangliosidosis (PMID: 15714521, 16941474, 17309651). ClinVar contains an entry for this variant (Variation ID: 496895). Invitae Evidence Modeling of protein sequence and biophysical properties (such as structural, functional, and spatial information, amino acid conservation, physicochemical variation, residue mobility, and thermodynamic stability) indicates that this missense variant is expected to disrupt GLB1 protein function with a positive predictive value of 95%. Experimental studies have shown that this missense change affects GLB1 function (PMID: 15714521). This variant disrupts the p.Arg59 amino acid residue in GLB1. Other variant(s) that disrupt this residue have been determined to be pathogenic (PMID: 10338095, 16941474, 17309651, 17664528). This suggests that this residue is clinically significant, and that variants that disrupt this residue are likely to be disease-causing. For these reasons, this variant has been classified as Pathogenic.

Revvity Omics, Revvity
Classification: Pathogenic. Last evaluated: 2024-01-25. Review status: criteria provided, single submitter. Criteria: ACMG Guidelines, 2015. Collection method: clinical testing. Allele origin: germline.

Blueprint Genetics
Classification: Likely pathogenic for GLB1-related disorders. Last evaluated: 2021-09-24. Review status: criteria provided, single submitter. Criteria: ACMG Guidelines, 2015. Collection method: clinical testing. Allele origin: germline. Affected: yes. Observed: 4 variant alleles.

Laboratorio de Genetica e Diagnostico Molecular, Hospital Israelita Albert Einstein
Classification: Pathogenic for Infantile GM1 gangliosidosis. Last evaluated: 2021-07-27. Review status: criteria provided, single submitter. Criteria: ACMG Guidelines, 2015. Collection method: clinical testing. Allele origin: germline. Affected: yes.
Comment: ACMG classification criteria: PS4 moderate, PM2 moderate, PM3 strong, PP3 supporting, PP4 supporting

Mendelics
Classification: Pathogenic for GM1 gangliosidosis type 2. Last evaluated: 2019-05-28. Review status: criteria provided, single submitter. Criteria: Mendelics Assertion Criteria 2017. Collection method: clinical testing. Allele origin: unknown.

Eurofins Ntd Llc (ga)
Classification: Pathogenic. Last evaluated: 2017-03-03. Review status: criteria provided, single submitter. Criteria: EGL Classification Definitions 2015. Collection method: clinical testing. Allele origin: germline. Observed: 1 variant allele, 1 heterozygote.

Counsyl
Classification: Likely pathogenic for Infantile GM1 gangliosidosis; GM1 gangliosidosis type 2; GM1 gangliosidosis type 3; Mucopolysaccharidosis, MPS-IV-B. Last evaluated: 2017-09-11. Review status: no assertion criteria provided. Collection method: clinical testing. Allele origin: unknown. Not counted in ClinVar's aggregate classification.

Joint Genome Diagnostic Labs from Nijmegen and Maastricht, Radboudumc and MUMC+
Classification: Pathogenic. Review status: no assertion criteria provided. Collection method: clinical testing. Allele origin: germline. Affected: yes. Study: VKGL Data-share Consensus. Not counted in ClinVar's aggregate classification.

Laboratory of Diagnostic Genome Analysis, Leiden University Medical Center (LUMC)
Classification: Pathogenic. Review status: no assertion criteria provided. Collection method: clinical testing. Allele origin: germline. Affected: yes. Study: VKGL Data-share Consensus. Not counted in ClinVar's aggregate classification.

Literature cited by the submitters: PubMed 15714521 (cited by 4 submitters); PubMed 10338095 (cited by 3billion and Labcorp Genetics (formerly Invitae), Labcorp); PubMed 16941474 (cited by 3 submitters); PubMed 17309651 (cited by 3 submitters); PubMed 17664528 (cited by Labcorp Genetics (formerly Invitae), Labcorp); PubMed 16314480 (cited by Counsyl); PubMed 21520340 (cited by Counsyl).

NM_000404.4(GLB1):c.175C>T (p.Arg59Cys)

Gene: GLB1 (galactosidase beta 1; minus strand). Cytogenetic location: 3p22.3.
Variant type: single nucleotide variant.
Coding change: c.175C>T on transcript NM_000404.4 (MANE Select); coding-DNA position 175, C replaced by T.
Protein change: p.Arg59Cys; replaces arginine 59 with cysteine.
Molecular consequence: missense variant.
Genome position (GRCh38, 1-based): chr3:33,072,614, G>A on the plus strand (C>T on the coding strand, the complement: GLB1 is on the minus strand). VCF-style: chr3-33072614-G-A. GRCh37 (hg19) VCF-style: chr3-33114106-G-A.
Other names: c.85C>T, p.Arg29Cys (NM_001079811.3); c.175C>T, p.Arg59Cys (NM_001135602.3, NM_001393580.1); c.319C>T, p.Arg107Cys (NM_001317040.2); short protein forms R59C, R29C, R107C.
Identifiers: ClinVar variation 496895 (VCV000496895.24), dbSNP rs756878418, ClinGen allele CA2299775.